The following is an entry in ClinVar:

ClinVar aggregate classification (germline): Pathogenic (1 of 4 stars; one submission).

Conditions:
Refsum disease, classic. Also called: HEREDOPATHIA ATACTICA POLYNEURITIFORMIS; HMSN IV; PHYTANIC ACID OXIDASE DEFICIENCY; PHYH-Related Refsum Disease. Identifiers: Orphanet 773, MedGen C5780941, MONDO:1060256, OMIM 266500. Disease mechanism: loss of function.

Submission:

Myriad Genetics, Inc.
Classification: Pathogenic for Refsum disease, classic. Last evaluated: 2024-05-14. Review status: criteria provided, single submitter. Criteria: Myriad Autosomal Dominant, Autosomal Recessive and X-Linked Classification Criteria (2023). Collection method: clinical testing. Allele origin: unknown.
Comment: NM_006214.3(PHYH):c.515_516ins11(P173Kfs*49) is expected to be pathogenic in the context of Refsum disease, PHYH-related. This variant is predicted to lead to an abnormal or absent protein product due to the creation of a premature termination codon in PHYH, a gene where loss-of-function variants are known to be pathogenic. Please note: this variant was assessed in the context of healthy population screening.

NM_006214.4(PHYH):c.515_516insTAAGAGACAGT (p.Pro173fs)

Gene: PHYH (phytanoyl-CoA 2-hydroxylase; minus strand). Cytogenetic location: 10p13.
Variant type: Insertion.
Coding change: c.515_516insTAAGAGACAGT on transcript NM_006214.4 (MANE Select); coding-DNA positions 515 to 516, TAAGAGACAGT inserted.
Protein change: p.Pro173fs; shifts the reading frame from proline 173.
Molecular consequence: frameshift variant. On other transcripts: intron variant (1).
Genome position: GRCh38 VCF-style: chr10-13288522-G-GACTGTCTCTTA. GRCh37 (hg19) VCF-style: chr10-13330522-G-GACTGTCTCTTA.
Other names: c.215_216insTAAGAGACAGT, p.Pro73fs (NM_001037537.2, NM_001323080.2); c.521_522insTAAGAGACAGT, p.Pro175fs (NM_001323082.2); c.221_222insTAAGAGACAGT, p.Pro75fs (NM_001323084.2); c.415-4684_415-4683insTAAGAGACAGT (NM_001323083.2); short protein forms P173fs, P175fs, P73fs, P75fs.
Identifiers: ClinVar variation 5010782 (VCV005010782.1).
Genomic context (GRCh38, chr10:13,288,522, plus strand): 5'-GGCGCAAACGATGAGATCGCTGGGCCTGAAGGGGAAATAGTGCAGGTCCTGGTGCAGGGG[G>GACTGTCTCTTA]TGACGGGACGTCTTCTTGCCTGAAAAGAAAACCTGCTACTAAAGGATACTCGAGGCCGAG-3'